The following is an entry in ClinVar:

NM_002772.3(TMPRSS15):c.2765-1100T>C

Gene: TMPRSS15 (transmembrane serine protease 15; minus strand). Cytogenetic location: 21q21.1.
Variant type: single nucleotide variant.
Coding change: c.2765-1100T>C on transcript NM_002772.3 (MANE Select); 1100 bases into the intron before coding-DNA position 2765, T replaced by C.
Molecular consequence: intron variant.
Genome position (GRCh38, 1-based): chr21:18,276,436, A>G on the plus strand (T>C on the coding strand, the complement: TMPRSS15 is on the minus strand). VCF-style: chr21-18276436-A-G. GRCh37 (hg19) VCF-style: chr21-19648753-A-G.
Other names: c.2765-1100T>C (NM_001428057.1); c.2900-1100T>C (NM_001428056.1).
Identifiers: ClinVar variation 4076264 (VCV004076264.1).

ClinVar aggregate classification (germline): Uncertain significance (1 of 4 stars; one submission).

Conditions:
Enterokinase deficiency. Also called: Congenital enteropathy due to enteropeptidase deficiency; ENTEROPEPTIDASE DEFICIENCY; Deficiency of enteropeptidase. Identifiers: Orphanet 168601, MedGen C0268416, MONDO:0009173, OMIM 226200.

gnomAD v4.1: 2 of 152,376 alleles (0.0013%); highest among the groups gnomAD compares: Non-Finnish European, 0.0029%; no homozygotes.

Submission:

Laboratorio de Genetica e Diagnostico Molecular, Hospital Israelita Albert Einstein
Classification: Uncertain significance for Enterokinase deficiency. Last evaluated: 2023-10-11. Review status: criteria provided, single submitter. Criteria: ACMG Guidelines, 2015. Collection method: clinical testing. Allele origin: germline. Affected: yes.
Comment: ACMG classification criteria: PM2 moderate